The following is an entry in ClinVar:

ClinVar aggregate classification (germline): Likely benign. Review status: criteria provided, multiple submitters, no conflicts (2 of 4 stars). 3 submissions from 3 submitters: Likely benign (3). Last evaluated 2025-10-01.

Conditions:
Early-infantile DEE. Also called: Early infantile epileptic encephalopathy; Ohtahara syndrome; Early infantile epileptic encephalopathy with suppression bursts. Identifiers: Orphanet 1934, MedGen C0393706, MONDO:0800491.

Allele frequency attached by ClinVar (database versions not stated): ExAC 0.00004; gnomAD 0.00004; gnomAD exomes 0.00005; TOPMed 0.00005; 1000 Genomes Project 30x 0.00016; 1000 Genomes Project 0.00020.
gnomAD v4.1: 31 of 1,613,238 alleles (0.0019%); highest among the groups gnomAD compares: East Asian, 0.031%; no homozygotes.

Submissions (3):

Labcorp Genetics (formerly Invitae), Labcorp
Classification: Likely benign for Early-infantile DEE. Last evaluated: 2025-10-01. Review status: criteria provided, single submitter. Criteria: Invitae Variant Classification Sherloc (09022015). Collection method: clinical testing. Allele origin: germline.

CeGaT Center for Human Genetics Tuebingen
Classification: Likely benign. Last evaluated: 2024-01-01. Review status: criteria provided, single submitter. Criteria: CeGaT Center For Human Genetics Tuebingen Variant Classification Criteria Version 2. Collection method: clinical testing. Allele origin: germline. Affected: yes. Observed: 1 variant allele.
Comment: SPTAN1: BP4, BP7

GeneDx
Classification: Likely benign. Last evaluated: 2021-01-19. Review status: criteria provided, single submitter. Criteria: GeneDx Variant Classification Process June 2021. Collection method: clinical testing. Allele origin: germline. Affected: yes.

NM_001130438.3(SPTAN1):c.1338C>T (p.Ser446=)

Gene: SPTAN1 (spectrin alpha, non-erythrocytic 1; plus strand). Cytogenetic location: 9q34.11.
Variant type: single nucleotide variant.
Coding change: c.1338C>T on transcript NM_001130438.3 (MANE Select); coding-DNA position 1338, C replaced by T.
Protein change: p.Ser446=; no amino-acid change (serine 446 retained).
Molecular consequence: synonymous variant.
Genome position (GRCh38, 1-based): chr9:128,580,936, C>T. VCF-style: chr9-128580936-C-T. GRCh37 (hg19) VCF-style: chr9-131343215-C-T.
Other names: c.1338C>T, p.Ser446= (NM_001195532.2, NM_001363759.2, NM_001363765.2 and 1 more transcripts).
Identifiers: ClinVar variation 386679 (VCV000386679.34), dbSNP rs185614333, ClinGen allele CA5264372.
Genomic context (GRCh38, chr9:128,580,936, plus strand): 5'-TTGGGGCTGACCTCATCTCCCTGACCATGTCTCCTATGCCCCCAAGCTGACCGTCCTTTC[C>T]GAGGAGAGAGCGGCGCTGCTGGAGCTGTGGGAGCTGCGCAGGCAGCAGTACGAGCAGTGC-3'
Protein context (NP_001123910.1, residues 436-456): DEVREKLTVL[Ser446=]EERAALLELW